The following is an entry in ClinVar:

ClinVar aggregate classification (germline): Uncertain significance (1 of 4 stars; one submission).

Allele frequency attached by ClinVar (database versions not stated): gnomAD exomes below 0.00001; ExAC 0.00002.
gnomAD v4.1: 7 of 1,614,180 alleles (0.00043%); highest among the groups gnomAD compares: South Asian, 0.0055%; no homozygotes.

Submission:

Labcorp Genetics (formerly Invitae), Labcorp
Classification: Uncertain significance. Last evaluated: 2024-04-22. Review status: criteria provided, single submitter. Criteria: Invitae Variant Classification Sherloc (09022015). Collection method: clinical testing. Allele origin: germline.
Comment: This sequence change replaces glutamic acid, which is acidic and polar, with lysine, which is basic and polar, at codon 195 of the TOP3A protein (p.Glu195Lys). This variant is present in population databases (rs751475957, gnomAD 0.006%). This variant has not been reported in the literature in individuals affected with TOP3A-related conditions. ClinVar contains an entry for this variant (Variation ID: 2090214). An algorithm developed to predict the effect of missense changes on protein structure and function (PolyPhen-2) suggests that this variant is likely to be tolerated. In summary, the available evidence is currently insufficient to determine the role of this variant in disease. Therefore, it has been classified as a Variant of Uncertain Significance.

NM_004618.5(TOP3A):c.583G>A (p.Glu195Lys)

Gene: TOP3A (DNA topoisomerase III alpha; minus strand). Cytogenetic location: 17p11.2.
Variant type: single nucleotide variant.
Coding change: c.583G>A on transcript NM_004618.5 (MANE Select); coding-DNA position 583, G replaced by A.
Protein change: p.Glu195Lys; replaces glutamic acid 195 with lysine.
Molecular consequence: missense variant.
Genome position (GRCh38, 1-based): chr17:18,302,640, C>T on the plus strand (G>A on the coding strand, the complement: TOP3A is on the minus strand). VCF-style: chr17-18302640-C-T. GRCh37 (hg19) VCF-style: chr17-18205954-C-T.
Other names: c.298G>A, p.Glu100Lys (NM_001320759.2); short protein forms E100K, E195K.
Identifiers: ClinVar variation 2090214 (VCV002090214.4), dbSNP rs751475957, ClinGen allele CA8430179.
Genomic context (GRCh38, chr17:18,302,640, plus strand): 5'-CAATCCTCAGGTCCAGCTCCTGCCTCACATCCACAGCATCGCTCACCCTCTGATCAGGCT[C>T]GGTCAGGTTTTCACAAGCTGTCCTGACGGCATGGGGTGTGATCTCAGAGAATCGGGCTCG-3'
Protein context (NP_004609.1, residues 185-205): AVRTACENLT[Glu195Lys]PDQRVSDAVD